The following is an entry in ClinVar:

chr6:32609097-32629809 complex variant

Genes: HLA-DQA1 (major histocompatibility complex, class II, DQ alpha 1; plus strand), HLA-DQB1 (major histocompatibility complex, class II, DQ beta 1; minus strand). Cytogenetic location: 6p21.32.
Variant type: Complex.
Identifiers: ClinVar variation 221365 (VCV000221365.2).

ClinVar aggregate classification (germline): Uncertain significance (0 of 4 stars; one submission).

Conditions:
Breast ductal adenocarcinoma. Also called: Ductal breast carcinoma; Breast cancer, invasive ductal. Identifiers: MedGen C1527349, MONDO:0005590.

Submission:

Next Generation Diagnostics, Novartis Institutes for BioMedical Research, Inc.
Classification: Uncertain significance for Breast ductal adenocarcinoma. Last evaluated: 2015-07-20. Review status: no assertion criteria provided. Collection method: research. Allele origin: somatic. Affected: yes.
Comment: Loss of heterozygosity